The following is an entry in ClinVar:

NM_006261.5(PROP1):c.150del (p.Arg53fs)

Gene: PROP1 (PROP paired-like homeobox 1; minus strand). Cytogenetic location: 5q35.3.
Variant type: Deletion.
Coding change: c.150del on transcript NM_006261.5 (MANE Select); coding-DNA position 150, one base deleted (A; older notation c.150delA).
Protein change: p.Arg53fs; shifts the reading frame from arginine 53.
Molecular consequence: frameshift variant.
Genome position (GRCh38, 1-based): chr5:177,994,298, T deleted on the plus strand (A on the coding strand, the reverse complement: PROP1 is on the minus strand). VCF-style (leftmost placement, unchanged base first): chr5-177994297-CT-C. GRCh37 (hg19) VCF-style: chr5-177421298-CT-C.
Other names: c.150delA (NM_006261.4, NM_006261.5); short protein forms R53fs.
Identifiers: ClinVar variation 8102 (VCV000008102.42), dbSNP rs587776683, ClinGen allele CA340730.

ClinVar aggregate classification (germline): Pathogenic. Review status: criteria provided, multiple submitters, no conflicts (2 of 4 stars). 20 submissions from 20 submitters: Pathogenic (17). 3 of the submissions do not count toward it. Last evaluated 2026-04-22.

Conditions:
PROP1-related disorder. Also called: PROP1-related condition.
Pituitary hormone deficiency.
Combined pituitary hormone deficiencies, genetic form. Also called: Pituitary hormone deficiency, combined. Identifiers: Orphanet 95494, MedGen C4273747, MONDO:0013099.
Pituitary hormone deficiency, combined, 2. Also called: ATELIOTIC DWARFISM WITH HYPOGONADISM; PITUITARY DWARFISM III; PROP1-Related Combined Pituitary Hormone Deficiency; HANHART DWARFISM. Identifiers: MedGen C0878683, MONDO:0009878, OMIM 262600.

Allele frequency attached by ClinVar (database versions not stated): gnomAD 0.00005 and 0.00006; gnomAD exomes 0.00006 and 0.00009; TOPMed 0.00008; ExAC 0.00013.

Submissions (20):

NHS Central & South Genomic Laboratory Hub
Classification: Pathogenic for Pituitary hormone deficiency. Last evaluated: 2026-04-22. Review status: criteria provided, single submitter. Criteria: ACMG Guidelines, 2015. Collection method: clinical testing. Allele origin: germline. Affected: yes.

Labcorp Genetics (formerly Invitae), Labcorp
Classification: Pathogenic. Last evaluated: 2026-01-19. Review status: criteria provided, single submitter. Criteria: Invitae Variant Classification Sherloc (09022015). Collection method: clinical testing. Allele origin: germline.
Comment: This sequence change creates a premature translational stop signal (p.Arg53Aspfs*112) in the PROP1 gene. While this is not anticipated to result in nonsense mediated decay, it is expected to disrupt the last 174 amino acid(s) of the PROP1 protein. This variant is present in population databases (rs587776683, gnomAD 0.02%). This premature translational stop signal has been observed in individuals with combined pituitary hormone deficiency (PMID: 15472232, 16735499, 21863341, 26608600, 28734020, 30266296). ClinVar contains an entry for this variant (Variation ID: 8102). Algorithms developed to predict the effect of variants on gene product structure and function are not available or were not evaluated for this variant. Experimental studies have shown that this premature translational stop signal affects PROP1 function (PMID: 16735499). Algorithms developed to predict the effect of sequence changes on RNA splicing suggest that this variant may disrupt the consensus splice site. For these reasons, this variant has been classified as Pathogenic.

PreventionGenetics, part of Exact Sciences
Classification: Pathogenic for PROP1-related condition. Last evaluated: 2025-08-15. Review status: criteria provided, single submitter. Criteria: ACMG Guidelines, 2015. Collection method: clinical testing. Allele origin: germline.
Comment: The PROP1 c.150delA variant is predicted to result in a frameshift and premature protein termination (p.Arg53Aspfs*112). This variant has been reported in the homozygous and compound heterozygous states in multiple individuals with combined pituitary hormone deficiency (see for examples, Böttner et al. 2004. PubMed ID: 15472232; Reynaud et al. 2006. PubMed ID: 16735499; Pekic et al. 2011. PubMed ID: 21863341; reported as c.150delA, p.R53fsX164 in Ziemnicka et al. 2015. PubMed ID: 26608600). This variant is reported in 0.020% of alleles in individuals of European (non-Finnish) descent in gnomAD. An in vitro experimental study suggests this variant affects protein function (Reynaud et al. 2006. PubMed ID: 16735499). Frameshift variants in PROP1 are expected to be pathogenic. This variant is interpreted as pathogenic.

Natera, Inc.
Classification: Pathogenic for Combined pituitary hormone deficiency type 2. Last evaluated: 2025-06-30. Review status: criteria provided, single submitter. Criteria: Natera Variant Classification Schema (03/2026). Collection method: clinical testing. Allele origin: germline.
Comment: The c.150delA variant in PROP1 is a frameshift variant predicted to shift the reading frame beginning at codon 53 and leads to a stop codon 112 codons downstream. This variant is expected to result in nonsense mediated decay, truncation, or a dysfunctional protein product. This variant is rare in the general population with a frequency below the threshold expected for the associated phenotype(s). This variant has been observed in one or more individuals affected with the associated recessive disease, as either homozygous or compound heterozygous with a second variant (PMID: 11549674, 31093944). Additionally, this variant has been observed to segregate in affected family members (PMID: 11549674, 31093944). Given the available evidence, this variant is classified as Pathogenic.

Women's Health and Genetics/Laboratory Corporation of America, LabCorp
Classification: Pathogenic for Combined pituitary hormone deficiencies, genetic form. Last evaluated: 2025-03-06. Review status: criteria provided, single submitter. Criteria: LabCorp Variant Classification Summary - May 2015. Collection method: clinical testing. Allele origin: germline.
Comment: Variant summary: PROP1 c.150delA (p.Arg53AspfsX112) results in a premature termination codon, and although it is not predicted to undergo nonsense mediated decay, it is expected to cause a truncation of the encoded protein, which is a commonly known mechanism for disease. The variant allele was found at a frequency of 8.6e-05 in 243216 control chromosomes. This frequency is not significantly higher than estimated for a pathogenic variant in PROP1 causing Combined Pituitary Hormone Deficiency (8.6e-05 vs 0.0041), allowing no conclusion about variant significance. c.150delA has been reported in the literature in multiple individuals affected with Combined Pituitary Hormone Deficiency (e.g. Parks_1999, Riepe_2001, Halasz_2006). These data indicate that the variant is very likely to be associated with disease. The following publications have been ascertained in the context of this evaluation (PMID: 11549674, 10599689, 17526936). ClinVar contains an entry for this variant (Variation ID: 8102). Based on the evidence outlined above, the variant was classified as pathogenic.

Laboratory of Genetics, Children's Clinical University Hospital Latvia
Classification: Pathogenic. Last evaluated: 2025-02-16. Review status: criteria provided, single submitter. Criteria: ACMG Guidelines, 2015. Collection method: clinical testing. Allele origin: germline. Affected: yes.

Revvity Omics, Revvity
Classification: Pathogenic for Pituitary hormone deficiency, combined, 2. Last evaluated: 2024-10-09. Review status: criteria provided, single submitter. Criteria: ACMG Guidelines, 2015. Collection method: clinical testing. Allele origin: germline.

Blueprint Genetics
Classification: Pathogenic for PROP1-related disorders. Last evaluated: 2024-09-03. Review status: criteria provided, single submitter. Criteria: ACMG Guidelines, 2015. Collection method: clinical testing. Allele origin: germline. Affected: yes. Observed: 5 variant alleles.

Fulgent Genetics
Classification: Pathogenic for Pituitary hormone deficiency, combined, 2. Last evaluated: 2024-04-26. Review status: criteria provided, single submitter. Criteria: ACMG Guidelines, 2015. Collection method: clinical testing. Allele origin: germline.

Laboratory of Medical Genetics, National & Kapodistrian University of Athens
Classification: Pathogenic for Pituitary hormone deficiency, combined, 2. Last evaluated: 2024-02-01. Review status: criteria provided, single submitter. Criteria: ACMG Guidelines, 2015. Collection method: curation. Allele origin: germline. Affected: no.

Clinical Genetics Laboratory, Skane University Hospital Lund
Classification: Pathogenic. Last evaluated: 2023-07-04. Review status: criteria provided, single submitter. Criteria: ACMG Guidelines, 2015. Collection method: clinical testing. Allele origin: germline. Affected: yes.

3billion
Classification: Pathogenic for Pituitary hormone deficiency, combined, 2. Last evaluated: 2022-09-01. Review status: criteria provided, single submitter. Criteria: ACMG Guidelines, 2015. Collection method: clinical testing. Allele origin: germline. Affected: yes. Observed: 1 homozygote.
Comment: The variant is observed at an extremely low frequency in the gnomAD v2.1.1 dataset (total allele frequency: 0.009%). Frameshift variant is predicted to result in a loss or disruption of normal protein function through nonsense-mediated decay (NMD) or protein truncation. Multiple pathogenic variants are reported downstream of the variant. The variant has been reported to be associated with PROP1 -related disorder (ClinVar ID: VCV000008102 / PMID: 30266296). Therefore, this variant is classified as Pathogenic according to the recommendation of ACMG/AMP guideline.

Department of Pathology and Laboratory Medicine, Sinai Health System
Classification: Pathogenic for pituitary hormone deficiency, combined, 2. Last evaluated: 2022-01-12. Review status: criteria provided, single submitter. Criteria: ACMG Guidelines, 2015. Collection method: research. Allele origin: germline.

Centre of Medical Genetics, University Hospital Muenster
Classification: Pathogenic. Last evaluated: 2021-03-08. Review status: criteria provided, single submitter. Criteria: ACMG Guidelines, 2015. Collection method: clinical testing. Allele origin: unknown. Affected: yes. Observed: 1 variant allele, 1 homozygote.
Comment: ACMG categories: PVS1,PS4,PM4,PP5

Myriad Genetics, Inc.
Classification: Pathogenic for Pituitary hormone deficiency, combined, 2. Last evaluated: 2019-12-26. Review status: criteria provided, single submitter. Criteria: Myriad Women's Health Autosomal Recessive and X-Linked Classification Criteria (2019). Collection method: clinical testing. Allele origin: unknown.
Comment: NM_006261.4(PROP1):c.150delA(R53Dfs*112) is classified as pathogenic in the context of combined pituitary hormone deficiency, PROP1-related. Sources cited for classification include the following: PMID 17526936, 15472232, 15126542, 11549674, 26608600, 26886902 and 22024773. Classification of NM_006261.4(PROP1):c.150delA(R53Dfs*112) is based on the following criteria: The variant causes a premature termination codon that is not expected to be targeted by nonsense-mediated mRNA decay; however, literature evidence strongly supports pathogenicity. Please note: this variant was assessed in the context of healthy population screening.

Centre for Mendelian Genomics, University Medical Centre Ljubljana
Classification: Pathogenic for Pituitary hormone deficiency, combined, 2. Last evaluated: 2019-04-08. Review status: criteria provided, single submitter. Criteria: ACMG Guidelines, 2015. Collection method: clinical testing. Allele origin: unknown. Affected: yes.
Comment: This variant was classified as: Pathogenic. The following ACMG criteria were applied in classifying this variant: PVS1,PM2,PP5.

Institute of Human Genetics, University Hospital of Duesseldorf
Classification: Pathogenic for Pituitary hormone deficiency, combined, 2. Review status: criteria provided, single submitter. Criteria: ACMG Guidelines, 2015. Collection method: not provided. Allele origin: germline. Inheritance: Autosomal recessive inheritance. Affected: yes.

OMIM
Classification: Pathogenic for PITUITARY HORMONE DEFICIENCY, COMBINED, 2. Last evaluated: 2001-09-01. Review status: no assertion criteria provided. Collection method: literature only. Allele origin: germline. Not counted in ClinVar's aggregate classification.

GeneReviews
No classification provided. Condition: Pituitary hormone deficiency, combined, 2. Review status: no classification provided. Collection method: literature only. Allele origin: germline. Not counted in ClinVar's aggregate classification.
Comment: There are reports of spontaneous puberty with decline of gonadotropic function in individuals with PROP1 variants p.Arg120Cys, p.Phe88Ser, and c.150delA [Flück et al 1998].

Institute for Clinical Genetics, University Hospital TU Dresden, University Hospital TU Dresden
Classification: Uncertain significance. Last evaluated: 2021-11-03. Review status: flagged submission. Criteria: ACMG Guidelines, 2015. Collection method: clinical testing. Allele origin: germline. Not counted in ClinVar's aggregate classification.
ClinVar note: Reason: Outlier claim with insufficient supporting evidence

Literature cited by the submitters: PubMed 15472232 (cited by Labcorp Genetics (formerly Invitae), Labcorp and Myriad Genetics, Inc.); PubMed 16735499 (cited by Labcorp Genetics (formerly Invitae), Labcorp); PubMed 21863341 (cited by Labcorp Genetics (formerly Invitae), Labcorp); PubMed 26608600 (cited by Labcorp Genetics (formerly Invitae), Labcorp and Myriad Genetics, Inc.); PubMed 28734020 (cited by Labcorp Genetics (formerly Invitae), Labcorp); PubMed 30266296 (cited by Labcorp Genetics (formerly Invitae), Labcorp); PubMed 11549674 (cited by 4 submitters); PubMed 31093944 (cited by Natera, Inc.); PubMed 10599689 (cited by Women's Health and Genetics/Laboratory Corporation of America, LabCorp); PubMed 17526936 (cited by Women's Health and Genetics/Laboratory Corporation of America, LabCorp and Myriad Genetics, Inc.); PubMed 15126542 (cited by Myriad Genetics, Inc.); PubMed 26886902 (cited by Myriad Genetics, Inc.); PubMed 22024773 (cited by Myriad Genetics, Inc.); PubMed 26059845 (cited by GeneReviews); PubMed 9768691 (cited by GeneReviews); NCBI Bookshelf NBK1347 (cited by GeneReviews).